The following is an entry in ClinVar:

NM_206933.4(USH2A):c.12694C>A (p.Pro4232Thr)

Gene: USH2A (usherin; minus strand). Cytogenetic location: 1q41.
Variant type: single nucleotide variant.
Coding change: c.12694C>A on transcript NM_206933.4 (MANE Select); coding-DNA position 12694, C replaced by A.
Protein change: p.Pro4232Thr; replaces proline 4232 with threonine.
Molecular consequence: missense variant.
Genome position (GRCh38, 1-based): chr1:215,675,217, G>T on the plus strand (C>A on the coding strand, the complement: USH2A is on the minus strand). VCF-style: chr1-215675217-G-T. GRCh37 (hg19) VCF-style: chr1-215848559-G-T.
Other names: short protein forms P4232T.
Identifiers: ClinVar variation 4800029 (VCV004800029.1).

ClinVar aggregate classification (germline): Likely pathogenic (1 of 4 stars; one submission).

Submission:

Labcorp Genetics (formerly Invitae), Labcorp
Classification: Likely pathogenic. Last evaluated: 2025-06-03. Review status: criteria provided, single submitter. Criteria: Invitae Variant Classification Sherloc (09022015). Collection method: clinical testing. Allele origin: germline.
Comment: This sequence change replaces proline, which is neutral and non-polar, with threonine, which is neutral and polar, at codon 4232 of the USH2A protein (p.Pro4232Thr). This variant is not present in population databases (gnomAD no frequency). This variant has not been reported in the literature in individuals affected with USH2A-related conditions. Invitae Evidence Modeling of protein sequence and biophysical properties (such as structural, functional, and spatial information, amino acid conservation, physicochemical variation, residue mobility, and thermodynamic stability) indicates that this missense variant is expected to disrupt USH2A protein function with a positive predictive value of 95%. This variant disrupts the p.Pro4232 amino acid residue in USH2A. Other variant(s) that disrupt this residue have been determined to be pathogenic (PMID: 27460420, 30459346). This suggests that this residue is clinically significant, and that variants that disrupt this residue are likely to be disease-causing. In summary, the currently available evidence indicates that the variant is pathogenic, but additional data are needed to prove that conclusively. Therefore, this variant has been classified as Likely Pathogenic.

Literature cited by the submitters: PubMed 27460420; PubMed 30459346.